The following is an entry in ClinVar:

NM_015215.4(CAMTA1):c.612G>A (p.Lys204=)

Gene: CAMTA1 (calmodulin binding transcription activator 1; plus strand). Cytogenetic location: 1p36.23.
Variant type: single nucleotide variant.
Coding change: c.612G>A on transcript NM_015215.4 (MANE Select); coding-DNA position 612, G replaced by A.
Protein change: p.Lys204=; no amino-acid change (lysine 204 retained).
Molecular consequence: synonymous variant.
Genome position (GRCh38, 1-based): chr1:7,640,501, G>A. VCF-style: chr1-7640501-G-A. GRCh37 (hg19) VCF-style: chr1-7700561-G-A.
Other names: c.522G>A, p.Lys174= (NM_001349608.2, NM_001349612.2); c.612G>A, p.Lys204= (NM_001349609.2, NM_001349610.2, NM_001410737.1); c.540G>A, p.Lys180= (NM_001410738.1).
Identifiers: ClinVar variation 3771141 (VCV003771141.13).
Genomic context (GRCh38, chr1:7,640,501, plus strand): 5'-CATCGAGGACTGCGGCAAGCCTTGCGGCCCCATCCTCTGCTCCATCAACACCGACAAGAA[G>A]GAGTGGGCGAAATGGACGAAAGAAGAGCTCATCGGGCAGCTGAAACCCATGTGTGAGTGG-3'
Protein context (NP_056030.1, residues 194-214): PILCSINTDK[Lys204=]EWAKWTKEEL

ClinVar aggregate classification (germline): Likely benign (1 of 4 stars; one submission).

gnomAD v4.1: 48 of 1,614,220 alleles (0.003%); highest among the groups gnomAD compares: Middle Eastern, 0.082%; no homozygotes.

Submission:

CeGaT Center for Human Genetics Tuebingen
Classification: Likely benign. Last evaluated: 2025-01-01. Review status: criteria provided, single submitter. Criteria: CeGaT Center For Human Genetics Tuebingen Variant Classification Criteria Version 2. Collection method: clinical testing. Allele origin: germline. Affected: yes. Observed: 1 variant allele.
Comment: CAMTA1: BP4